The following is an entry in ClinVar:

ClinVar aggregate classification (germline): Uncertain significance (1 of 4 stars; one submission).

gnomAD v4.1: 4 of 1,446,762 alleles (0.00028%); highest among the groups gnomAD compares: South Asian, 0.0014%; no homozygotes.

Submission:

Labcorp Genetics (formerly Invitae), Labcorp
Classification: Uncertain significance. Last evaluated: 2025-06-16. Review status: criteria provided, single submitter. Criteria: Invitae Variant Classification Sherloc (09022015). Collection method: clinical testing. Allele origin: germline.
Comment: This sequence change replaces proline, which is neutral and non-polar, with arginine, which is basic and polar, at codon 72 of the DMRT2 protein (p.Pro72Arg). This variant is not present in population databases (gnomAD no frequency). This variant has not been reported in the literature in individuals affected with DMRT2-related conditions. An algorithm developed to predict the effect of missense changes on protein structure and function (PolyPhen-2) suggests that this variant is likely to be disruptive. In summary, the available evidence is currently insufficient to determine the role of this variant in disease. Therefore, it has been classified as a Variant of Uncertain Significance.

NM_181872.6(DMRT2):c.215C>G (p.Pro72Arg)

Gene: DMRT2 (doublesex and mab-3 related transcription factor 2; plus strand). Cytogenetic location: 9p24.3.
Variant type: single nucleotide variant.
Coding change: c.215C>G on transcript NM_181872.6 (MANE Select); coding-DNA position 215, C replaced by G.
Protein change: p.Pro72Arg; replaces proline 72 with arginine.
Molecular consequence: missense variant. On other transcripts: 5 prime UTR variant (1), non-coding transcript variant (1).
Genome position (GRCh38, 1-based): chr9:1,051,828, C>G. VCF-style: chr9-1051828-C-G. GRCh37 (hg19) VCF-style: chr9-1051828-C-G.
Other names: c.215C>G, p.Pro72Arg (NM_001130865.3, NM_001370531.1, NM_001370533.1 and 4 more transcripts); c.-436C>G (NM_001370532.1); short protein forms P72R.
Identifiers: ClinVar variation 4774093 (VCV004774093.1).